The following is an entry in ClinVar:

ClinVar aggregate classification (germline): Uncertain significance. Review status: criteria provided, multiple submitters, no conflicts (2 of 4 stars). 3 submissions from 3 submitters: Uncertain significance (2). 1 of the submissions does not count toward it. Last evaluated 2026-03-09.

Conditions:
VPS13B-related disorder. Also called: VPS13B-related condition.
Cohen syndrome (COH1). Also called: Cutis verticis gyrata, retinitis pigmentosa, and sensorineural deafness; PEPPER SYNDROME. Identifiers: Orphanet 193, MedGen C0265223, MONDO:0008999, OMIM 216550.

Allele frequency attached by ClinVar (database versions not stated): gnomAD 0.00001; ExAC 0.00003; TOPMed 0.00003; gnomAD exomes 0.00005; ESP Exome Variant Server 0.00015.
gnomAD v4.1: 70 of 1,613,078 alleles (0.0043%); highest among the groups gnomAD compares: Non-Finnish European, 0.0057%; no homozygotes.

Submissions (3):

PreventionGenetics, part of Exact Sciences
Classification: Uncertain significance for VPS13B-related condition. Last evaluated: 2026-03-09. Review status: criteria provided, single submitter. Criteria: ACMG Guidelines, 2015. Collection method: clinical testing. Allele origin: germline.
Comment: The VPS13B c.6047C>T variant is predicted to result in the amino acid substitution p.Ala2016Val. To our knowledge, this variant has not been reported in the literature. This variant is reported in 0.0070% of alleles in individuals of European (Non-Finnish) descent in gnomAD. At this time, the clinical significance of this variant is uncertain due to the absence of conclusive functional and genetic evidence.

Labcorp Genetics (formerly Invitae), Labcorp
Classification: Uncertain significance for Cohen syndrome. Last evaluated: 2022-07-19. Review status: criteria provided, single submitter. Criteria: Invitae Variant Classification Sherloc (09022015). Collection method: clinical testing. Allele origin: germline.
Comment: This sequence change replaces alanine, which is neutral and non-polar, with valine, which is neutral and non-polar, at codon 2041 of the VPS13B protein (p.Ala2041Val). This variant is present in population databases (rs199837195, gnomAD 0.008%). This variant has not been reported in the literature in individuals affected with VPS13B-related conditions. ClinVar contains an entry for this variant (Variation ID: 642509). Algorithms developed to predict the effect of missense changes on protein structure and function are either unavailable or do not agree on the potential impact of this missense change (SIFT: "Not Available"; PolyPhen-2: "Possibly Damaging"; Align-GVGD: "Not Available"). In summary, the available evidence is currently insufficient to determine the role of this variant in disease. Therefore, it has been classified as a Variant of Uncertain Significance.

Natera, Inc.
Classification: Uncertain significance for Cohen syndrome. Last evaluated: 2020-09-16. Review status: no assertion criteria provided. Collection method: clinical testing. Allele origin: germline. Not counted in ClinVar's aggregate classification.

NM_152564.5(VPS13B):c.6047C>T (p.Ala2016Val)

Gene: VPS13B (vacuolar protein sorting 13 homolog B; plus strand). Cytogenetic location: 8q22.2.
Variant type: single nucleotide variant.
Coding change: c.6047C>T on transcript NM_152564.5 (MANE Select); coding-DNA position 6047, C replaced by T.
Protein change: p.Ala2016Val; replaces alanine 2016 with valine.
Molecular consequence: missense variant.
Genome position (GRCh38, 1-based): chr8:99,699,525, C>T. VCF-style: chr8-99699525-C-T. GRCh37 (hg19) VCF-style: chr8-100711753-C-T.
Other names: c.6122C>T, p.Ala2041Val (NM_017890.5); c.6047C>T (NM_152564.4); short protein forms A2016V, A2041V.
Identifiers: ClinVar variation 642509 (VCV000642509.8), dbSNP rs199837195, ClinGen allele CA4823933.